The following is an entry in ClinVar:

NM_000053.4(ATP7B):c.2536del (p.Leu846fs)

Gene: ATP7B (ATPase copper transporting beta; minus strand). Cytogenetic location: 13q14.3.
Variant type: Deletion.
Coding change: c.2536del on transcript NM_000053.4 (MANE Select); coding-DNA position 2536, one base deleted (C; older notation c.2536delC).
Protein change: p.Leu846fs; shifts the reading frame from leucine 846.
Molecular consequence: frameshift variant. On other transcripts: intron variant (1).
Genome position (GRCh38, 1-based): chr13:51,950,311, G deleted on the plus strand (C on the coding strand, the reverse complement: ATP7B is on the minus strand); the first of 2 consecutive G bases (chr13:51,950,311-51,950,312); deleting either gives the same sequence. VCF-style (leftmost placement, unchanged base first): chr13-51950310-AG-A. GRCh37 (hg19) VCF-style: chr13-52524446-AG-A.
Other names: c.2284del, p.Leu762fs (NM_001406540.1, NM_001330579.2, NM_001406531.1 and 1 more transcripts); c.2050del, p.Leu684fs (NM_001406541.1, NM_001406542.1, NM_001406546.1 and 1 more transcripts); c.2188del, p.Leu730fs (NM_001406543.1); c.1954del, p.Leu652fs (NM_001406544.1); c.1888del, p.Leu630fs (NM_001406545.1, NM_001406547.1); c.1286-150del (NM_001406548.1); c.2203del, p.Leu735fs (NM_001243182.2); c.2302del, p.Leu768fs (NM_001330578.2, NM_001406527.1, NM_001406528.1 and 2 more transcripts); and 8 more; short protein forms L684fs, L652fs, L766fs, L787fs, L814fs, L630fs, L703fs, L730fs.
Identifiers: ClinVar variation 2809121 (VCV002809121.3), dbSNP rs2547673500, ClinGen allele CA2739277668.
Genomic context (GRCh38, chr13:51,950,310, plus strand): 5'-AACATGAAACAAGCCATCTCACCTGTGATGAGGGACTCATCAGCCATGGTATTGCCTTCC[AG>A]GACTTTCCCATCCACTGGAAACTTTCCCCCAGGGACCACCTTGACGATATCGCCCCGCTG-3'

ClinVar aggregate classification (germline): Pathogenic (1 of 4 stars; one submission).

Conditions:
Wilson disease (WND). Also called: Wilson's disease. Identifiers: Orphanet 905, MedGen C0019202, MONDO:0010200, OMIM 277900. Disease mechanism: loss of function.

Submission:

Labcorp Genetics (formerly Invitae), Labcorp
Classification: Pathogenic for Wilson disease. Last evaluated: 2022-10-29. Review status: criteria provided, single submitter. Criteria: Invitae Variant Classification Sherloc (09022015). Collection method: clinical testing. Allele origin: germline.
Comment: For these reasons, this variant has been classified as Pathogenic. This variant has not been reported in the literature in individuals affected with ATP7B-related conditions. This variant is not present in population databases (gnomAD no frequency). This sequence change creates a premature translational stop signal (p.Leu846Trpfs*27) in the ATP7B gene. It is expected to result in an absent or disrupted protein product. Loss-of-function variants in ATP7B are known to be pathogenic (PMID: 10441329, 16283883).

Literature cited by the submitters: PubMed 10441329; PubMed 16283883.